The following is an entry in ClinVar:

NM_001256071.3(RNF213):c.12341C>T (p.Thr4114Ile)

Genes: RNF213 (ring finger protein 213; plus strand), RNF213-AS1 (RNF213 antisense RNA 1; minus strand). Cytogenetic location: 17q25.3.
Variant type: single nucleotide variant.
Coding change: c.12341C>T on transcript NM_001256071.3 (MANE Select); coding-DNA position 12341, C replaced by T.
Protein change: p.Thr4114Ile; replaces threonine 4114 with isoleucine.
Molecular consequence: missense variant.
Genome position (GRCh38, 1-based): chr17:80,369,783, C>T. VCF-style: chr17-80369783-C-T. GRCh37 (hg19) VCF-style: chr17-78343583-C-T.
Other names: NM_020914.4:c.12488C>T; short protein forms T4114I.
Identifiers: ClinVar variation 916445 (VCV000916445.45), dbSNP rs2079442813, ClinGen allele CA401409774.
Genomic context (GRCh38, chr17:80,369,783, plus strand): 5'-CTGCATGTCTCATGCAGTGAGCTGCCTTTTTCTTTCTGGTTTAAGGACACTGTGAACACA[C>T]AAAATCTCTCTCTCCATTCAATGATGTTGTGGATAAGACTCCTGTCATCCGCTCAGTGAT-3'
Protein context (NP_001243000.2, residues 4104-4124): RDAAQRHCEH[Thr4114Ile]KSLSPFNDVV

ClinVar aggregate classification (germline): Conflicting classifications of pathogenicity. Review status: criteria provided, conflicting classifications (1 of 4 stars). 3 submissions from 3 submitters: Pathogenic (1); Likely pathogenic (1); Uncertain significance (1). Last evaluated 2026-06-05.

Conditions:
Inborn genetic diseases. Identifiers: MedGen C0950123, MeSH D030342.

Submissions (3):

Ambry Genetics
Classification: Likely pathogenic for Inborn genetic diseases. Last evaluated: 2026-06-05. Review status: criteria provided, single submitter. Criteria: Ambry Variant Classification Scheme 2023. Collection method: clinical testing. Allele origin: germline.
Comment: The c.12488C>T (p.T4163I) alteration is located in exon 47 (coding exon 46) of the RNF213 gene. This alteration results from a C to T substitution at nucleotide position 12488, causing the threonine (T) at amino acid position 4163 to be replaced by an isoleucine (I). This variant was not reported in population-based cohorts in the Genome Aggregation Database (gnomAD). This variant was reported in individuals with features consistent with RNF213-related Moyamoya disease; in at least one individual, it was determined to be de novo (Brunet, 2024; external communication). This amino acid position is highly conserved in available vertebrate species. This alteration is predicted to be tolerated by in silico analysis. Based on the available evidence, this alteration is classified as likely pathogenic.

Labcorp Genetics (formerly Invitae), Labcorp
Classification: Pathogenic. Last evaluated: 2025-12-22. Review status: criteria provided, single submitter. Criteria: Invitae Variant Classification Sherloc (09022015). Collection method: clinical testing. Allele origin: germline.
Comment: This sequence change replaces threonine, which is neutral and polar, with isoleucine, which is neutral and non-polar, at codon 4114 of the RNF213 protein (p.Thr4114Ile). This variant is not present in population databases (gnomAD no frequency). This missense change has been observed in individual(s) with clinical features of autosomal dominant Moyamoya disease (PMID: 37924258; internal data). In at least one individual the variant was observed to be de novo. ClinVar contains an entry for this variant (Variation ID: 916445). Invitae Evidence Modeling of protein sequence and biophysical properties (such as structural, functional, and spatial information, amino acid conservation, physicochemical variation, residue mobility, and thermodynamic stability) indicates that this missense variant is not expected to disrupt RNF213 protein function with a negative predictive value of 95%. This variant disrupts the p.Thr4114 amino acid residue in RNF213. Other variant(s) that disrupt this residue have been determined to be pathogenic (PMID: 33568546). This suggests that this residue is clinically significant, and that variants that disrupt this residue are likely to be disease-causing. For these reasons, this variant has been classified as Pathogenic.

CeGaT Center for Human Genetics Tuebingen
Classification: Uncertain significance. Last evaluated: 2020-02-01. Review status: criteria provided, single submitter. Criteria: CeGaT Center For Human Genetics Tuebingen Variant Classification Criteria Version 2. Collection method: clinical testing. Allele origin: germline. Affected: yes. Observed: 1 variant allele.

Literature cited by the submitters: PubMed 37924258 (cited by Ambry Genetics and Labcorp Genetics (formerly Invitae), Labcorp); PubMed 33568546 (cited by Labcorp Genetics (formerly Invitae), Labcorp).